The following is an entry in ClinVar:

NM_024101.7(MLPH):c.1745C>T (p.Ala582Val)

Gene: MLPH (melanophilin; plus strand). Cytogenetic location: 2q37.3.
Variant type: single nucleotide variant.
Coding change: c.1745C>T on transcript NM_024101.7 (MANE Select); coding-DNA position 1745, C replaced by T.
Protein change: p.Ala582Val; replaces alanine 582 with valine.
Molecular consequence: missense variant. On other transcripts: non-coding transcript variant (1).
Genome position (GRCh38, 1-based): chr2:237,552,406, C>T. VCF-style: chr2-237552406-C-T. GRCh37 (hg19) VCF-style: chr2-238461049-C-T.
Other names: c.1745C>T (NM_024101.5); c.1661C>T, p.Ala554Val (NM_001042467.3); c.1385C>T, p.Ala462Val (NM_001281473.2); c.1316C>T, p.Ala439Val (NM_001281474.2); short protein forms A439V, A462V, A554V, A582V.
Identifiers: ClinVar variation 1337080 (VCV001337080.12), dbSNP rs112711398, ClinGen allele CA2190794.
Genomic context (GRCh38, chr2:237,552,406, plus strand): 5'-ATGATTCTTTTGATCGGAAATCAGTGTACCGAGGCTCGCTGACACAGAGAAACCCCAACG[C>T]GAGGAAAGGAATGGCCAGCCACACCTTCGCGGTAAAGTTTTCTCTCATTCTCTGAGGAGT-3'
Protein context (NP_077006.1, residues 572-592): RGSLTQRNPN[Ala582Val]RKGMASHTFA

ClinVar aggregate classification (germline): Conflicting classifications of pathogenicity. Review status: criteria provided, conflicting classifications (1 of 4 stars). 5 submissions from 5 submitters: Uncertain significance (1); Benign (1); Likely benign (2). 1 of the submissions does not count toward it. Last evaluated 2025-07-09.

Conditions:
MLPH-related disorder. Also called: MLPH-related condition.
Inborn genetic diseases. Identifiers: MedGen C0950123, MeSH D030342.

Allele frequency attached by ClinVar (database versions not stated): TOPMed 0.00029.
gnomAD v4.1: 408 of 1,613,854 alleles (0.025%); highest among the groups gnomAD compares: Non-Finnish European, 0.0072%; 1 homozygote.

Submissions (8):

Labcorp Genetics (formerly Invitae), Labcorp
Classification: Benign. Last evaluated: 2025-07-09. Review status: criteria provided, single submitter. Criteria: Invitae Variant Classification Sherloc (09022015). Collection method: clinical testing. Allele origin: germline.

Ambry Genetics
Classification: Uncertain significance for Inborn genetic diseases. Last evaluated: 2021-08-23. Review status: criteria provided, single submitter. Criteria: Ambry Variant Classification Scheme 2023. Collection method: clinical testing. Allele origin: germline.

Genetic Services Laboratory, University of Chicago
Classification: Likely benign. Last evaluated: 2020-08-21. Review status: criteria provided, single submitter. Criteria: ACMG Guidelines, 2015. Collection method: clinical testing. Allele origin: germline. Affected: no.

Breakthrough Genomics
Classification: Likely benign. Review status: criteria provided, single submitter. Criteria: ACMG Guidelines, 2015. Collection method: not provided. Allele origin: germline. Inheritance: Autosomal recessive inheritance. Affected: yes.

PreventionGenetics, part of Exact Sciences
Classification: Benign for MLPH-related condition. Last evaluated: 2024-08-29. Review status: no assertion criteria provided. Collection method: clinical testing. Allele origin: germline. Not counted in ClinVar's aggregate classification.
Comment: This variant is classified as benign based on ACMG/AMP sequence variant interpretation guidelines (Richards et al. 2015 PMID: 25741868, with internal and published modifications).

Dr. Peter K. Rogan Lab, Western University
No classification provided (evidence only). Condition: Colorectal cancer. Review status: no classification provided. Collection method: in vitro. Allele origin: not applicable. Functional consequence: retained intron. Not counted in ClinVar's aggregate classification.

Dr. Peter K. Rogan Lab, Western University
No classification provided (evidence only). Condition: Thyroid cancer, nonmedullary, 1. Review status: no classification provided. Collection method: in vitro. Allele origin: not applicable. Functional consequence: retained intron. Not counted in ClinVar's aggregate classification.

Dr. Peter K. Rogan Lab, Western University
No classification provided (evidence only). Condition: Uterine corpus endometrial carcinoma. Review status: no classification provided. Collection method: in vitro. Allele origin: not applicable. Functional consequence: retained intron. Not counted in ClinVar's aggregate classification.